The following is an entry in ClinVar:

ClinVar aggregate classification (germline): Uncertain significance. Review status: criteria provided, multiple submitters, no conflicts (2 of 4 stars). 2 submissions from 2 submitters: Uncertain significance (2). Last evaluated 2022-02-06.

Allele frequency attached by ClinVar (database versions not stated): ExAC 0.00001; gnomAD exomes 0.00001; TOPMed 0.00001; gnomAD 0.00003.
gnomAD v4.1: 13 of 1,613,798 alleles (0.00081%); highest among the groups gnomAD compares: African/African-American, 0.004%; no homozygotes.

Submissions (2):

Labcorp Genetics (formerly Invitae), Labcorp
Classification: Uncertain significance. Last evaluated: 2022-02-06. Review status: criteria provided, single submitter. Criteria: Invitae Variant Classification Sherloc (09022015). Collection method: clinical testing. Allele origin: germline.
Comment: In summary, the available evidence is currently insufficient to determine the role of this variant in disease. Therefore, it has been classified as a Variant of Uncertain Significance. Algorithms developed to predict the effect of missense changes on protein structure and function are either unavailable or do not agree on the potential impact of this missense change (SIFT: "Deleterious"; PolyPhen-2: "Benign"; Align-GVGD: "Class C0"). This variant has not been reported in the literature in individuals affected with PDE6B-related conditions. This variant is present in population databases (rs769328879, gnomAD 0.004%). This sequence change replaces valine, which is neutral and non-polar, with alanine, which is neutral and non-polar, at codon 193 of the PDE6B protein (p.Val193Ala).

Blueprint Genetics
Classification: Uncertain significance. Last evaluated: 2019-12-18. Review status: criteria provided, single submitter. Criteria: ACMG Guidelines, 2015. Collection method: clinical testing. Allele origin: germline.

NM_000283.4(PDE6B):c.578T>C (p.Val193Ala)

Gene: PDE6B (phosphodiesterase 6B; plus strand). Cytogenetic location: 4p16.3.
Variant type: single nucleotide variant.
Coding change: c.578T>C on transcript NM_000283.4 (MANE Select); coding-DNA position 578, T replaced by C.
Protein change: p.Val193Ala; replaces valine 193 with alanine.
Molecular consequence: missense variant.
Genome position (GRCh38, 1-based): chr4:634,786, T>C. VCF-style: chr4-634786-T-C. GRCh37 (hg19) VCF-style: chr4-628575-T-C.
Other names: c.578T>C, p.Val193Ala (NM_001145291.2); short protein forms V193A.
Identifiers: ClinVar variation 1950690 (VCV001950690.6), dbSNP rs769328879, ClinGen allele CA2794002.